The following is an entry in ClinVar:

NM_025099.6(CTC1):c.2438C>T (p.Pro813Leu)

Gene: CTC1 (CST telomere replication complex component 1; minus strand). Cytogenetic location: 17p13.1.
Variant type: single nucleotide variant.
Coding change: c.2438C>T on transcript NM_025099.6 (MANE Select); coding-DNA position 2438, C replaced by T.
Protein change: p.Pro813Leu; replaces proline 813 with leucine.
Molecular consequence: missense variant. On other transcripts: non-coding transcript variant (1).
Genome position (GRCh38, 1-based): chr17:8,231,763, G>A on the plus strand (C>T on the coding strand, the complement: CTC1 is on the minus strand). VCF-style: chr17-8231763-G-A. GRCh37 (hg19) VCF-style: chr17-8135081-G-A.
Other names: c.2438C>T (NM_025099.5); short protein forms P813L.
Identifiers: ClinVar variation 1055592 (VCV001055592.10), dbSNP rs764138772, ClinGen allele CA8372082.

ClinVar aggregate classification (germline): Uncertain significance. Review status: criteria provided, multiple submitters, no conflicts (2 of 4 stars). 2 submissions from 2 submitters: Uncertain significance (2). Last evaluated 2025-06-07.

Conditions:
Inborn genetic diseases. Identifiers: MedGen C0950123, MeSH D030342.
Dyskeratosis congenita. Identifiers: Orphanet 1775, MedGen C0265965, MONDO:0015780.

Allele frequency attached by ClinVar (database versions not stated): TOPMed below 0.00001; gnomAD 0.00001; ExAC 0.00002; gnomAD exomes 0.00002 and 0.00003.
gnomAD v4.1: 36 of 1,614,046 alleles (0.0022%); highest among the groups gnomAD compares: Middle Eastern, 0.016%; no homozygotes.

Submissions (2):

Ambry Genetics
Classification: Uncertain significance for Inborn genetic diseases. Last evaluated: 2025-06-07. Review status: criteria provided, single submitter. Criteria: Ambry Variant Classification Scheme 2023. Collection method: clinical testing. Allele origin: germline.

Labcorp Genetics (formerly Invitae), Labcorp
Classification: Uncertain significance for Dyskeratosis congenita. Last evaluated: 2024-07-15. Review status: criteria provided, single submitter. Criteria: Invitae Variant Classification Sherloc (09022015). Collection method: clinical testing. Allele origin: germline.
Comment: This sequence change replaces proline, which is neutral and non-polar, with leucine, which is neutral and non-polar, at codon 813 of the CTC1 protein (p.Pro813Leu). This variant is present in population databases (rs764138772, gnomAD 0.02%). This variant has not been reported in the literature in individuals affected with CTC1-related conditions. ClinVar contains an entry for this variant (Variation ID: 1055592). Advanced modeling of protein sequence and biophysical properties (such as structural, functional, and spatial information, amino acid conservation, physicochemical variation, residue mobility, and thermodynamic stability) has been performed at Invitae for this missense variant, however the output from this modeling did not meet the statistical confidence thresholds required to predict the impact of this variant on CTC1 protein function. In summary, the available evidence is currently insufficient to determine the role of this variant in disease. Therefore, it has been classified as a Variant of Uncertain Significance.